The following is an entry in ClinVar:

ClinVar aggregate classification (germline): Likely pathogenic (1 of 4 stars; one submission).

Submission:

Labcorp Genetics (formerly Invitae), Labcorp
Classification: Likely pathogenic. Last evaluated: 2023-08-20. Review status: criteria provided, single submitter. Criteria: Invitae Variant Classification Sherloc (09022015). Collection method: clinical testing. Allele origin: germline.
Comment: In summary, the currently available evidence indicates that the variant is pathogenic, but additional data are needed to prove that conclusively. Therefore, this variant has been classified as Likely Pathogenic. Algorithms developed to predict the effect of sequence changes on RNA splicing suggest that this variant may disrupt the consensus splice site. This variant has not been reported in the literature in individuals affected with ERCC6-related conditions. This variant is present in population databases (rs770673858, gnomAD 0.007%). This variant results in the deletion of part of exon 6 (c.1398-3_1398del) of the ERCC6 gene. It is expected to disrupt RNA splicing. Variants that disrupt the donor or acceptor splice site typically lead to a loss of protein function (PMID: 16199547), and loss-of-function variants in ERCC6 are known to be pathogenic (PMID: 18628313, 29572252).

Literature cited by the submitters: PubMed 16199547; PubMed 18628313; PubMed 29572252.

NM_000124.4(ERCC6):c.1398-3_1398del

Gene: ERCC6 (ERCC excision repair 6, chromatin remodeling factor; minus strand). Cytogenetic location: 10q11.23.
Variant type: Deletion.
Coding change: c.1398-3_1398del on transcript NM_000124.4 (MANE Select); 3 bases into the intron before coding-DNA position 1398 through coding-DNA position 1398, 4 bases deleted (TAGG; older notation c.1398-3_1398delTAGG).
Molecular consequence: splice acceptor variant.
Genome position (GRCh38, 1-based): chr10:49,506,012-49,506,015, CCTA deleted on the plus strand (TAGG on the coding strand, the reverse complement: ERCC6 is on the minus strand); deleting any 4 consecutive bases within chr10:49,506,012-49,506,017 gives the same sequence; the c. name uses the placement nearest the transcript's 3' end. VCF-style (leftmost placement, unchanged base first): chr10-49506011-TCCTA-T. GRCh37 (hg19) VCF-style: chr10-50714057-TCCTA-T.
Other names: c.1398-3_1398del (NM_001346440.2).
Identifiers: ClinVar variation 3007266 (VCV003007266.3), dbSNP rs770673858, ClinGen allele CA5495981.
Genomic context (GRCh38, chr10:49,506,011, plus strand): 5'-CAGAATCGTCCTCCAGCTTCAGACGTTTCTCTTTGTCCTGCAGTCTCAGTTTATTCCATC[TCCTA>T]CCATGAAAATAAAAATCACATTTCCATTATTTTGATCACAAGACAGATTTAAAAAGATAG-3'